The following is an entry in ClinVar:

NM_001206927.2(DNAH8):c.6104G>A (p.Arg2035His)

Gene: DNAH8 (dynein axonemal heavy chain 8; plus strand). Cytogenetic location: 6p21.2.
Variant type: single nucleotide variant.
Coding change: c.6104G>A on transcript NM_001206927.2 (MANE Select); coding-DNA position 6104, G replaced by A.
Protein change: p.Arg2035His; replaces arginine 2035 with histidine.
Molecular consequence: missense variant.
Genome position (GRCh38, 1-based): chr6:38,860,602, G>A. VCF-style: chr6-38860602-G-A. GRCh37 (hg19) VCF-style: chr6-38828378-G-A.
Other names: c.6104G>A (NM_001206927.1); c.5453G>A, p.Arg1818His (NM_001371.4); short protein forms R2035H, R1818H.
Identifiers: ClinVar variation 2145231 (VCV002145231.3), dbSNP rs758868992, ClinGen allele CA3789562.

ClinVar aggregate classification (germline): Uncertain significance. Review status: criteria provided, multiple submitters, no conflicts (2 of 4 stars). 2 submissions from 2 submitters: Uncertain significance (2). Last evaluated 2025-01-16.

Conditions:
Primary ciliary dyskinesia. Also called: Ciliary dyskinesia. Identifiers: Orphanet 244, MedGen C0008780, MONDO:0016575, HP:0012265.

Allele frequency attached by ClinVar (database versions not stated): gnomAD 0.00001; TOPMed 0.00001; ExAC 0.00002; gnomAD exomes 0.00003.

Submissions (2):

Ambry Genetics
Classification: Uncertain significance. Last evaluated: 2025-01-16. Review status: criteria provided, single submitter. Criteria: Ambry Variant Classification Scheme 2023. Collection method: clinical testing. Allele origin: germline.

Labcorp Genetics (formerly Invitae), Labcorp
Classification: Uncertain significance for Primary ciliary dyskinesia. Last evaluated: 2022-10-05. Review status: criteria provided, single submitter. Criteria: Invitae Variant Classification Sherloc (09022015). Collection method: clinical testing. Allele origin: germline.
Comment: This sequence change replaces arginine, which is basic and polar, with histidine, which is basic and polar, at codon 2035 of the DNAH8 protein (p.Arg2035His). This variant is present in population databases (rs758868992, gnomAD 0.01%). This variant has not been reported in the literature in individuals affected with DNAH8-related conditions. Advanced modeling of protein sequence and biophysical properties (such as structural, functional, and spatial information, amino acid conservation, physicochemical variation, residue mobility, and thermodynamic stability) performed at Invitae indicates that this missense variant is expected to disrupt DNAH8 protein function. In summary, the available evidence is currently insufficient to determine the role of this variant in disease. Therefore, it has been classified as a Variant of Uncertain Significance.